The following is an entry in ClinVar:

NM_145046.5(CALR3):c.740T>A (p.Leu247Gln)

Gene: CALR3 (calreticulin 3; minus strand). Cytogenetic location: 19p13.11.
Variant type: single nucleotide variant.
Coding change: c.740T>A on transcript NM_145046.5 (MANE Select); coding-DNA position 740, T replaced by A.
Protein change: p.Leu247Gln; replaces leucine 247 with glutamine.
Molecular consequence: missense variant.
Genome position (GRCh38, 1-based): chr19:16,482,724, A>T on the plus strand (T>A on the coding strand, the complement: CALR3 is on the minus strand). VCF-style: chr19-16482724-A-T. GRCh37 (hg19) VCF-style: chr19-16593535-A-T.
Other names: short protein forms L247Q.
Identifiers: ClinVar variation 577806 (VCV000577806.9), dbSNP rs961599926, ClinGen allele CA305981598.

ClinVar aggregate classification (germline): Uncertain significance (1 of 4 stars; one submission).

Conditions:
Hypertrophic cardiomyopathy 19. Also called: Familial hypertrophic cardiomyopathy 19. Identifiers: MedGen CN077603, MONDO:0013476.

Allele frequency attached by ClinVar (database versions not stated): TOPMed 0.00002; gnomAD exomes below 0.00001; gnomAD 0.00001.
gnomAD v4.1: 3 of 1,613,890 alleles (0.00019%); highest among the groups gnomAD compares: African/African-American, 0.0027%; no homozygotes.

Submission:

Labcorp Genetics (formerly Invitae), Labcorp
Classification: Uncertain significance for Hypertrophic cardiomyopathy 19. Last evaluated: 2025-11-11. Review status: criteria provided, single submitter. Criteria: Invitae Variant Classification Sherloc (09022015). Collection method: clinical testing. Allele origin: germline.
Comment: This sequence change replaces leucine, which is neutral and non-polar, with glutamine, which is neutral and polar, at codon 247 of the CALR3 protein (p.Leu247Gln). This variant is not present in population databases (gnomAD no frequency). This variant has not been reported in the literature in individuals affected with CALR3-related conditions. ClinVar contains an entry for this variant (Variation ID: 577806). Invitae Evidence Modeling of protein sequence and biophysical properties (such as structural, functional, and spatial information, amino acid conservation, physicochemical variation, residue mobility, and thermodynamic stability) indicates that this missense variant is not expected to disrupt CALR3 protein function with a negative predictive value of 80%. In summary, the available evidence is currently insufficient to determine the role of this variant in disease. Therefore, it has been classified as a Variant of Uncertain Significance.